The following is an entry in ClinVar:

ClinVar aggregate classification (germline): Uncertain significance (1 of 4 stars; one submission).

Submission:

GeneDx
Classification: Uncertain significance. Last evaluated: 2026-03-29. Review status: criteria provided, single submitter. Criteria: GeneDx Variant Classification Process June 2021. Collection method: clinical testing. Allele origin: germline.
Comment: Not observed at significant frequency in large population cohorts (gnomAD); In silico analysis supports that this missense variant has a deleterious effect on protein structure/function; Has not been previously published as pathogenic or benign to our knowledge; This variant is associated with the following publications: (PMID: 22982744)

NM_001365902.3(NFIX):c.1261G>C (p.Gly421Arg)

Gene: NFIX (nuclear factor I X; plus strand). Cytogenetic location: 19p13.13.
Variant type: single nucleotide variant.
Coding change: c.1261G>C on transcript NM_001365902.3 (MANE Select); coding-DNA position 1261, G replaced by C.
Protein change: p.Gly421Arg; replaces glycine 421 with arginine.
Molecular consequence: missense variant. On other transcripts: intron variant (6).
Genome position (GRCh38, 1-based): chr19:13,087,995, G>C. VCF-style: chr19-13087995-G-C. GRCh37 (hg19) VCF-style: chr19-13198809-G-C.
Other names: c.1285G>C, p.Gly429Arg (NM_001271043.2); c.1258G>C, p.Gly420Arg (NM_001365984.2); c.1237G>C, p.Gly413Arg (NM_001378404.1); c.1309G>C, p.Gly437Arg (NM_001378405.1); c.1114G>C, p.Gly372Arg (NM_001440616.1); c.1255-2304G>C (NM_002501.4); c.1132-2304G>C (NM_001365982.2); c.1231-2304G>C (NM_001271044.3); and 3 more; short protein forms G372R, G413R, G420R, G421R, G429R, G437R.
Identifiers: ClinVar variation 5017311 (VCV005017311.1).
Genomic context (GRCh38, chr19:13,087,995, plus strand): 5'-GTGTGTCTGTGTGTGATGTGCCTTCATGCGTCACTCTATTTATGTTGTTCGCAGCCCAAC[G>C]GTAGCGGCCAGGGCAAAGTCCCGGGGTCATTTTTGCTACCGCCGCCGCCTCCAGTGGCCA-3'
Protein context (NP_001352831.1, residues 411-431): GSGQATGQPN[Gly421Arg]SGQGKVPGSF